The following is an entry in ClinVar:

NM_005228.5(EGFR):c.3052A>C (p.Ile1018Leu)

Gene: EGFR (epidermal growth factor receptor; plus strand). Cytogenetic location: 7p11.2.
Variant type: single nucleotide variant.
Coding change: c.3052A>C on transcript NM_005228.5 (MANE Select); coding-DNA position 3052, A replaced by C.
Protein change: p.Ile1018Leu; replaces isoleucine 1018 with leucine.
Molecular consequence: missense variant.
Genome position (GRCh38, 1-based): chr7:55,201,293, A>C. VCF-style: chr7-55201293-A-C. GRCh37 (hg19) VCF-style: chr7-55268986-A-C.
Other names: c.3052A>C (NM_005228.3); c.2917A>C, p.Ile973Leu (NM_001346897.2, NM_001346899.2); c.3052A>C, p.Ile1018Leu (NM_001346898.2); c.2893A>C, p.Ile965Leu (NM_001346900.2); c.2251A>C, p.Ile751Leu (NM_001346941.2); short protein forms I1018L, I965L, I973L, I751L.
Identifiers: ClinVar variation 1370066 (VCV001370066.9), dbSNP rs1362774341, ClinGen allele CA367582566.
Genomic context (GRCh38, chr7:55,201,293, plus strand): 5'-TACCGTGCCCTGATGGATGAAGAAGACATGGACGACGTGGTGGATGCCGACGAGTACCTC[A>C]TCCCACAGCAGGGCTTCTTCAGCAGCCCCTCCACGTCACGGACTCCCCTCCTGAGCTCTC-3'
Protein context (NP_005219.2, residues 1008-1028): DDVVDADEYL[Ile1018Leu]PQQGFFSSPS

ClinVar aggregate classification (germline): Uncertain significance. Review status: criteria provided, multiple submitters, no conflicts (2 of 4 stars). 2 submissions from 2 submitters: Uncertain significance (2). Last evaluated 2025-05-24.

Conditions:
Hereditary cancer-predisposing syndrome. Also called: Neoplastic Syndromes, Hereditary; Tumor predisposition; Hereditary neoplastic syndrome; Hereditary Cancer Syndrome. Identifiers: Orphanet 140162, MedGen C0027672, MeSH D009386, MONDO:0015356.
EGFR-related lung cancer (EGFR). Identifiers: MedGen CN130014.

gnomAD v4.1: 14 of 1,614,098 alleles (0.00087%); highest among the groups gnomAD compares: Non-Finnish European, 0.0012%; no homozygotes.

Submissions (2):

Ambry Genetics
Classification: Uncertain significance for Hereditary cancer-predisposing syndrome. Last evaluated: 2025-05-24. Review status: criteria provided, single submitter. Criteria: Ambry Variant Classification Scheme 2023. Collection method: clinical testing. Allele origin: germline.
Comment: The p.I1018L variant (also known as c.3052A>C), located in coding exon 25 of the EGFR gene, results from an A to C substitution at nucleotide position 3052. The isoleucine at codon 1018 is replaced by leucine, an amino acid with highly similar properties. This amino acid position is conserved. In addition, this alteration is predicted to be tolerated by in silico analysis. Based on the available evidence, the clinical significance of this variant remains unclear.

Labcorp Genetics (formerly Invitae), Labcorp
Classification: Uncertain significance for EGFR-related lung cancer. Last evaluated: 2021-02-05. Review status: criteria provided, single submitter. Criteria: Invitae Variant Classification Sherloc (09022015). Collection method: clinical testing. Allele origin: germline.
Comment: In summary, the available evidence is currently insufficient to determine the role of this variant in disease. Therefore, it has been classified as a Variant of Uncertain Significance. Algorithms developed to predict the effect of missense changes on protein structure and function (SIFT, PolyPhen-2, Align-GVGD) all suggest that this variant is likely to be tolerated, but these predictions have not been confirmed by published functional studies and their clinical significance is uncertain. This variant has not been reported in the literature in individuals with EGFR-related conditions. This variant is not present in population databases (ExAC no frequency). This sequence change replaces isoleucine with leucine at codon 1018 of the EGFR protein (p.Ile1018Leu). The isoleucine residue is weakly conserved and there is a small physicochemical difference between isoleucine and leucine.